The following is an entry in ClinVar:

NM_203446.3(SYNJ1):c.3049G>T (p.Asp1017Tyr)

Gene: SYNJ1 (synaptojanin 1; minus strand). Cytogenetic location: 21q22.11.
Variant type: single nucleotide variant.
Coding change: c.3049G>T on transcript NM_203446.3 (MANE Select); coding-DNA position 3049, G replaced by T.
Protein change: p.Asp1017Tyr; replaces aspartic acid 1017 with tyrosine.
Molecular consequence: missense variant.
Genome position (GRCh38, 1-based): chr21:32,646,591, C>A on the plus strand (G>T on the coding strand, the complement: SYNJ1 is on the minus strand). VCF-style: chr21-32646591-C-A. GRCh37 (hg19) VCF-style: chr21-34018901-C-A.
Other names: c.3049G>T, p.Asp1017Tyr (NM_001160302.2); c.3034G>T, p.Asp1012Tyr (NM_001160306.2); c.3166G>T, p.Asp1056Tyr (NM_003895.4); short protein forms D1056Y, D1017Y, D1012Y.
Identifiers: ClinVar variation 1402351 (VCV001402351.3), dbSNP rs2040081654, ClinGen allele CA410069859.

ClinVar aggregate classification (germline): Uncertain significance (1 of 4 stars; one submission).

Conditions:
Developmental and epileptic encephalopathy, 53. Also called: Epileptic encephalopathy, early infantile, 53. Identifiers: MedGen C4479313, MONDO:0033362, OMIM 617389.
Early-onset Parkinson disease 20. Also called: PARKINSON DISEASE 20, AUTOSOMAL RECESSIVE EARLY-ONSET. Identifiers: Orphanet 391411, MedGen C3809824, MONDO:0014233, OMIM 615530.

Allele frequency attached by ClinVar (database versions not stated): gnomAD 0.00001.
gnomAD v4.1: 7 of 1,613,692 alleles (0.00043%); highest among the groups gnomAD compares: South Asian, 0.0011%; no homozygotes.

Submission:

Labcorp Genetics (formerly Invitae), Labcorp
Classification: Uncertain significance for Developmental and epileptic encephalopathy, 53; Early-onset Parkinson disease 20. Last evaluated: 2022-02-09. Review status: criteria provided, single submitter. Criteria: Invitae Variant Classification Sherloc (09022015). Collection method: clinical testing. Allele origin: germline.
Comment: This sequence change replaces aspartic acid, which is acidic and polar, with tyrosine, which is neutral and polar, at codon 1056 of the SYNJ1 protein (p.Asp1056Tyr). This variant is not present in population databases (gnomAD no frequency). This variant has not been reported in the literature in individuals affected with SYNJ1-related conditions. Algorithms developed to predict the effect of missense changes on protein structure and function are either unavailable or do not agree on the potential impact of this missense change (SIFT: "Deleterious"; PolyPhen-2: "Probably Damaging"; Align-GVGD: "Class C0"). In summary, the available evidence is currently insufficient to determine the role of this variant in disease. Therefore, it has been classified as a Variant of Uncertain Significance.